The following is an entry in ClinVar:

NM_022356.4(P3H1):c.811C>T (p.His271Tyr)

Gene: P3H1 (prolyl 3-hydroxylase 1; minus strand). Cytogenetic location: 1p34.2.
Variant type: single nucleotide variant.
Coding change: c.811C>T on transcript NM_022356.4 (MANE Select); coding-DNA position 811, C replaced by T.
Protein change: p.His271Tyr; replaces histidine 271 with tyrosine.
Molecular consequence: missense variant.
Genome position (GRCh38, 1-based): chr1:42,758,981, G>A on the plus strand (C>T on the coding strand, the complement: P3H1 is on the minus strand). VCF-style: chr1-42758981-G-A. GRCh37 (hg19) VCF-style: chr1-43224652-G-A.
Other names: c.811C>T, p.His271Tyr (NM_001146289.2, NM_001243246.2); short protein forms H271Y.
Identifiers: ClinVar variation 573225 (VCV000573225.6), dbSNP rs374314894, ClinGen allele CA802057.
Genomic context (GRCh38, chr1:42,758,981, plus strand): 5'-TTGGGTGGGAAGCAAGCTCCGTGACACAGTTCTGCTTACAGTTGAGGACCTGGATGTAAT[G>A]ATCTGAAAGGAATCAAACAGAAGGAATAACTATGAGGTCACTCTTTAGAACTCAAATTCT-3'
Protein context (NP_071751.3, residues 261-281): NADLFQAITD[His271Tyr]YIQVLNCKQN

ClinVar aggregate classification (germline): Uncertain significance (1 of 4 stars; one submission).

Conditions:
Osteogenesis imperfecta type 8 (OI8). Identifiers: MedGen C1970458, MONDO:0012581, OMIM 610915.

Allele frequency attached by ClinVar (database versions not stated): ExAC 0.00001; gnomAD exomes 0.00001 and 0.00002; TOPMed 0.00003; gnomAD 0.00004 and 0.00005; ESP Exome Variant Server 0.00008.
gnomAD v4.1: 31 of 1,614,054 alleles (0.0019%); highest among the groups gnomAD compares: Non-Finnish European, 0.0025%; no homozygotes.

Submission:

Labcorp Genetics (formerly Invitae), Labcorp
Classification: Uncertain significance for Osteogenesis imperfecta type 8. Last evaluated: 2022-06-27. Review status: criteria provided, single submitter. Criteria: Invitae Variant Classification Sherloc (09022015). Collection method: clinical testing. Allele origin: germline.
Comment: This sequence change replaces histidine, which is basic and polar, with tyrosine, which is neutral and polar, at codon 271 of the P3H1 protein (p.His271Tyr). This variant is present in population databases (rs374314894, gnomAD 0.002%). This variant has not been reported in the literature in individuals affected with P3H1-related conditions. ClinVar contains an entry for this variant (Variation ID: 573225). Algorithms developed to predict the effect of missense changes on protein structure and function are either unavailable or do not agree on the potential impact of this missense change (SIFT: "Deleterious"; PolyPhen-2: "Probably Damaging"; Align-GVGD: "Class C0"). In summary, the available evidence is currently insufficient to determine the role of this variant in disease. Therefore, it has been classified as a Variant of Uncertain Significance.